The following is an entry in ClinVar:

ClinVar aggregate classification (germline): Uncertain significance (1 of 4 stars; one submission).

Conditions:
Familial thoracic aortic aneurysm and aortic dissection (TAAD). Also called: Thoracic aortic aneurysms and dissections. Identifiers: Orphanet 91387, MedGen C4707243, MONDO:0019625.

Submission:

Color Diagnostics, LLC DBA Color Health
Classification: Uncertain significance for Familial thoracic aortic aneurysm and aortic dissection. Last evaluated: 2025-09-01. Review status: criteria provided, single submitter. Criteria: ACMG Guidelines, 2015. Collection method: clinical testing. Allele origin: germline.
Comment: This missense variant replaces asparagine with threonine at codon 1286 of the MYH11 protein. Computational prediction suggests that this variant may not impact protein structure and function. To our knowledge, functional studies have not been reported for this variant. This variant has not been reported in individuals affected with MYH11-related disorders in the literature. This variant has not been identified in the general population by the Genome Aggregation Database (gnomAD). The available evidence is insufficient to determine the role of this variant in disease conclusively. Therefore, this variant is classified as a Variant of Uncertain Significance.

NM_002474.3(MYH11):c.3836A>C (p.Asn1279Thr)

Gene: MYH11 (myosin heavy chain 11; minus strand). Cytogenetic location: 16p13.11.
Variant type: single nucleotide variant.
Coding change: c.3836A>C on transcript NM_002474.3 (MANE Select); coding-DNA position 3836, A replaced by C.
Protein change: p.Asn1279Thr; replaces asparagine 1279 with threonine.
Molecular consequence: missense variant.
Genome position (GRCh38, 1-based): chr16:15,726,870, T>G on the plus strand (A>C on the coding strand, the complement: MYH11 is on the minus strand). VCF-style: chr16-15726870-T-G. GRCh37 (hg19) VCF-style: chr16-15820727-T-G.
Other names: c.3857A>C, p.Asn1286Thr (NM_001040113.2, NM_001040114.2); c.3836A>C, p.Asn1279Thr (NM_022844.3); short protein forms N1279T, N1286T.
Identifiers: ClinVar variation 4756179 (VCV004756179.1).